The following is an entry in ClinVar:

NM_005522.5(HOXA1):c.174G>C (p.Gly58=)

Gene: HOXA1 (homeobox A1; minus strand). Cytogenetic location: 7p15.2.
Variant type: single nucleotide variant.
Coding change: c.174G>C on transcript NM_005522.5 (MANE Select); coding-DNA position 174, G replaced by C.
Protein change: p.Gly58=; no amino-acid change (glycine 58 retained).
Molecular consequence: synonymous variant.
Genome position (GRCh38, 1-based): chr7:27,095,739, C>G on the plus strand (G>C on the coding strand, the complement: HOXA1 is on the minus strand). VCF-style: chr7-27095739-C-G. GRCh37 (hg19) VCF-style: chr7-27135358-C-G.
Other names: c.174G>C, p.Gly58= (NM_153620.3).
Identifiers: ClinVar variation 587842 (VCV000587842.15), dbSNP rs77832452, ClinGen allele CA4196019.

ClinVar aggregate classification (germline): Benign/Likely benign. Review status: criteria provided, multiple submitters, no conflicts (2 of 4 stars). 5 submissions from 5 submitters: Benign (2); Likely benign (3). Last evaluated 2023-07-17.

Conditions:
Athabaskan Brain Stem Dysgenesis Syndrome (ABDS) (ABDS). Also called: NAVAJO BRAINSTEM SYNDROME; ATHABASKAN BRAINSTEM DYSGENESIS SYNDROME. Identifiers: Orphanet 69737, Orphanet 69739, MedGen C1832215, MONDO:7770750, OMIM 601536.
Inborn genetic diseases. Identifiers: MedGen C0950123, MeSH D030342.

Allele frequency attached by ClinVar (database versions not stated): gnomAD exomes 0.00044 and 0.00118; gnomAD 0.00441 and 0.00476; ESP Exome Variant Server 0.00446; ExAC 0.00151; 1000 Genomes Project 0.00499; TOPMed 0.00511; 1000 Genomes Project 30x 0.00578.
gnomAD v4.1: 1,348 of 1,613,346 alleles (0.084%); highest among the groups gnomAD compares: African/African-American, 1.5%; 11 homozygotes.

Submissions (5):

Blueprint Genetics
Classification: Likely benign. Last evaluated: 2023-07-17. Review status: criteria provided, single submitter. Criteria: ACMG Guidelines, 2015. Collection method: clinical testing. Allele origin: germline.

Labcorp Genetics (formerly Invitae), Labcorp
Classification: Benign. Last evaluated: 2019-12-31. Review status: criteria provided, single submitter. Criteria: Invitae Variant Classification Sherloc (09022015). Collection method: clinical testing. Allele origin: germline.

Illumina Laboratory Services, Illumina
Classification: Benign for Athabaskan Brain Stem Dysgenesis Syndrome (ABDS). Last evaluated: 2017-04-27. Review status: criteria provided, single submitter. Criteria: ICSL Variant Classification Criteria 13 December 2019. Collection method: clinical testing. Allele origin: germline.
Comment: This variant was observed as part of a predisposition screen in an ostensibly healthy population. A literature search was performed for the gene, cDNA change, and amino acid change (where applicable). No publications were found based on this search. Allele frequency data from public databases was too high to be consistent with this variant causing disease. Therefore, this variant is classified as benign.

Ambry Genetics
Classification: Likely benign for Inborn genetic diseases. Last evaluated: 2016-05-02. Review status: criteria provided, single submitter. Criteria: Ambry Variant Classification Scheme 2023. Collection method: clinical testing. Allele origin: germline.

Breakthrough Genomics
Classification: Likely benign. Review status: criteria provided, single submitter. Criteria: ACMG Guidelines, 2015. Collection method: not provided. Allele origin: germline. Inheritance: Autosomal recessive inheritance. Affected: yes.